The following is an entry in ClinVar:

NM_000292.3(PHKA2):c.3601T>C (p.Tyr1201His)

Genes: PHKA2 (phosphorylase kinase regulatory subunit alpha 2; minus strand), PHKA2-AS1 (PHKA2 antisense RNA 1; plus strand). Cytogenetic location: Xp22.13.
Variant type: single nucleotide variant.
Coding change: c.3601T>C on transcript NM_000292.3 (MANE Select); coding-DNA position 3601, T replaced by C.
Protein change: p.Tyr1201His; replaces tyrosine 1201 with histidine.
Molecular consequence: missense variant.
Genome position (GRCh38, 1-based): chrX:18,893,592, A>G on the plus strand (T>C on the coding strand, the complement: PHKA2 is on the minus strand). VCF-style: chrX-18893592-A-G. GRCh37 (hg19) VCF-style: chrX-18911710-A-G.
Other names: short protein forms Y1201H.
Identifiers: ClinVar variation 1321359 (VCV001321359.4), dbSNP rs373407231, ClinGen allele CA10361257.

ClinVar aggregate classification (germline): Uncertain significance. Review status: criteria provided, multiple submitters, no conflicts (2 of 4 stars). 2 submissions from 2 submitters: Uncertain significance (2). Last evaluated 2024-07-08.

Conditions:
Glycogen storage disease IXa1. Also called: LIVER GLYCOGENOSIS, X-LINKED, TYPE I; Glycogen storage disease 8; GLYCOGEN STORAGE DISEASE VIII; GSD VIII. Identifiers: Orphanet 264580, MedGen C3694531, MONDO:0010598, OMIM 306000.

Allele frequency attached by ClinVar (database versions not stated): ExAC 0.00001; gnomAD exomes 0.00001; TOPMed 0.00001; ESP Exome Variant Server 0.00009.
gnomAD v4.1: 7 of 1,211,599 alleles (0.00058%); highest among the groups gnomAD compares: African/African-American, 0.0017%; no homozygotes.

Submissions (2):

Women's Health and Genetics/Laboratory Corporation of America, LabCorp
Classification: Uncertain significance. Last evaluated: 2024-07-08. Review status: criteria provided, single submitter. Criteria: LabCorp Variant Classification Summary - May 2015. Collection method: clinical testing. Allele origin: germline.
Comment: Variant summary: PHKA2 c.3601T>C (p.Tyr1201His) results in a conservative amino acid change located in the Phosphorylase b kinase regulatory subunit alpha/beta, C-terminal domain (IPR045583) of the encoded protein sequence. Four of five in-silico tools predict a damaging effect of the variant on protein function. The variant allele was found at a frequency of 5.5e-06 in 182993 control chromosomes. The available data on variant occurrences in the general population are insufficient to allow any conclusion about variant significance. c.3601T>C has been reported in the literature in at least one individual affected with Glycogen Phosphorylase Kinase Deficiency with an unspecified second allele (Brown_2015). These report(s) do not provide unequivocal conclusions about association of the variant with Glycogen Phosphorylase Kinase Deficiency. To our knowledge, no experimental evidence demonstrating an impact on protein function has been reported. The following publication has been ascertained in the context of this evaluation (PMID: 25070466). ClinVar contains an entry for this variant (Variation ID: 1321359). Based on the evidence outlined above, the variant was classified as uncertain significance.

Labcorp Genetics (formerly Invitae), Labcorp
Classification: Uncertain significance for Glycogen storage disease IXa1. Last evaluated: 2024-05-06. Review status: criteria provided, single submitter. Criteria: Invitae Variant Classification Sherloc (09022015). Collection method: clinical testing. Allele origin: germline.
Comment: This sequence change replaces tyrosine, which is neutral and polar, with histidine, which is basic and polar, at codon 1201 of the PHKA2 protein (p.Tyr1201His). This variant is present in population databases (rs373407231, gnomAD 0.003%). This missense change has been observed in individual(s) with glycogen storage disease type IXa (PMID: 25070466). ClinVar contains an entry for this variant (Variation ID: 1321359). Advanced modeling of protein sequence and biophysical properties (such as structural, functional, and spatial information, amino acid conservation, physicochemical variation, residue mobility, and thermodynamic stability) has been performed at Invitae for this missense variant, however the output from this modeling did not meet the statistical confidence thresholds required to predict the impact of this variant on PHKA2 protein function. In summary, the available evidence is currently insufficient to determine the role of this variant in disease. Therefore, it has been classified as a Variant of Uncertain Significance.

Literature cited by the submitters: PubMed 25070466 (cited by Women's Health and Genetics/Laboratory Corporation of America, LabCorp and Labcorp Genetics (formerly Invitae), Labcorp).